The following is an entry in ClinVar:

NM_005189.3(CBX2):c.1125C>T (p.Ala375=)

Gene: CBX2 (chromobox 2; plus strand). Cytogenetic location: 17q25.3.
Variant type: single nucleotide variant.
Coding change: c.1125C>T on transcript NM_005189.3 (MANE Select); coding-DNA position 1125, C replaced by T.
Protein change: p.Ala375=; no amino-acid change (alanine 375 retained).
Molecular consequence: synonymous variant.
Genome position (GRCh38, 1-based): chr17:79,784,568, C>T. VCF-style: chr17-79784568-C-T. GRCh37 (hg19) VCF-style: chr17-77758367-C-T.
Identifiers: ClinVar variation 3037754 (VCV003037754.2), dbSNP rs1316746534, ClinGen allele CA502399264.

ClinVar aggregate classification (germline): Likely benign (0 of 4 stars; one submission).

Conditions:
CBX2-related disorder. Also called: CBX2-related condition.

Allele frequency attached by ClinVar (database versions not stated): gnomAD 0.00001; TOPMed 0.00001; gnomAD exomes 0.00005.
gnomAD v4.1: 75 of 1,612,556 alleles (0.0047%); highest among the groups gnomAD compares: Non-Finnish European, 0.0063%; no homozygotes.

Submission:

PreventionGenetics, part of Exact Sciences
Classification: Likely benign for CBX2-related condition. Last evaluated: 2019-05-16. Review status: no assertion criteria provided. Collection method: clinical testing. Allele origin: germline.
Comment: This variant is classified as likely benign based on ACMG/AMP sequence variant interpretation guidelines (Richards et al. 2015 PMID: 25741868, with internal and published modifications).